The following is an entry in ClinVar:

ClinVar aggregate classification (germline): Uncertain significance. Review status: criteria provided, single submitter (1 of 4 stars). 2 submissions from 2 submitters: Uncertain significance (1). 1 of the submissions does not count toward it. Last evaluated 2026-02-06.

Conditions:
Oocyte maturation defect 13 (OZEMA13). Also called: OOCYTE/ZYGOTE/EMBRYO MATURATION ARREST 13. Identifiers: MedGen C5774268, MONDO:0859330, OMIM 620154.

Allele frequency attached by ClinVar (database versions not stated): gnomAD exomes 0.00004; ESP Exome Variant Server 0.00008; gnomAD 0.00008; TOPMed 0.00008; 1000 Genomes Project 0.00020; ExAC 0.00054.
gnomAD v4.1: 82 of 1,516,378 alleles (0.0054%); highest among the groups gnomAD compares: East Asian, 0.085%; no homozygotes.

Submissions (2):

Dasa
Classification: Uncertain significance. Last evaluated: 2026-02-06. Review status: criteria provided, single submitter. Criteria: DASA Assertion Criteria. Collection method: clinical testing. Allele origin: germline.
Comment: NM_006887.5(ZFP36L2):c.922T>G (p.Ser308Ala) is a missense variant that results in the substitution of serine with alanine. This variant has been observed in affected individuals with related phenotype in a genotype context consistent with recessive disease (PMID: 34611029). This variant has been reported in individuals with related phenotype (PMID: 34611029). Multiple computational predictions suggest no deleterious effect on the gene or gene product. The variant is present at low frequency in population datasets. Based on the available data, this variant is classified as variant of uncertain significance.

OMIM
Classification: Pathogenic for OOCYTE/ZYGOTE/EMBRYO MATURATION ARREST 13. Last evaluated: 2023-04-10. Review status: no assertion criteria provided. Collection method: literature only. Allele origin: germline. Not counted in ClinVar's aggregate classification.

Literature cited by the submitters: PubMed 34611029 (cited by Dasa and OMIM).

NM_006887.5(ZFP36L2):c.922T>G (p.Ser308Ala)

Gene: ZFP36L2 (ZFP36 like 2 zinc finger CCCH-type; minus strand). Cytogenetic location: 2p21.
Variant type: single nucleotide variant.
Coding change: c.922T>G on transcript NM_006887.5 (MANE Select); coding-DNA position 922, T replaced by G.
Protein change: p.Ser308Ala; replaces serine 308 with alanine.
Molecular consequence: missense variant.
Genome position (GRCh38, 1-based): chr2:43,224,882, A>C on the plus strand (T>G on the coding strand, the complement: ZFP36L2 is on the minus strand). VCF-style: chr2-43224882-A-C. GRCh37 (hg19) VCF-style: chr2-43452021-A-C.
Other names: short protein forms S308A.
Identifiers: ClinVar variation 1802639 (VCV001802639.3), dbSNP rs373995498, ClinGen allele CA1631424.